The following is an entry in ClinVar:

NM_004655.4(AXIN2):c.1908-6G>A

Gene: AXIN2 (axin 2; minus strand). Cytogenetic location: 17q24.1.
Variant type: single nucleotide variant.
Coding change: c.1908-6G>A on transcript NM_004655.4 (MANE Select); 6 bases into the intron before coding-DNA position 1908, G replaced by A.
Molecular consequence: intron variant.
Genome position (GRCh38, 1-based): chr17:65,536,559, C>T on the plus strand (G>A on the coding strand, the complement: AXIN2 is on the minus strand). VCF-style: chr17-65536559-C-T. GRCh37 (hg19) VCF-style: chr17-63532677-C-T.
Other names: c.1713-6G>A (NM_001363813.1).
Identifiers: ClinVar variation 1117850 (VCV001117850.10), dbSNP rs2144444459, ClinGen allele CA2499224846.
Genomic context (GRCh38, chr17:65,536,559, plus strand): 5'-GCCTGGAGACGAGCGGGCAGACTCCAAGGGGTAGGCCTTTTTTGTGCTTTGGGCACTAAA[C>T]AAGGAATGAGCAGAGAGAAAACAGAAGGAAAGAAACTGGGTTAGAAGAACTGGAAAATGT-3'

ClinVar aggregate classification (germline): Likely benign. Review status: criteria provided, multiple submitters, no conflicts (2 of 4 stars). 2 submissions from 2 submitters: Likely benign (2). Last evaluated 2025-11-10.

Conditions:
Oligodontia-cancer predisposition syndrome. Also called: TOOTH AGENESIS-COLORECTAL CANCER SYNDROME. Identifiers: Orphanet 300576, MedGen C1837750, MONDO:0012075, OMIM 608615. Disease mechanism: loss of function.

Allele frequency attached by ClinVar (database versions not stated): gnomAD exomes below 0.00001.
gnomAD v4.1: 4 of 1,613,350 alleles (0.00025%); highest among the groups gnomAD compares: South Asian, 0.0022%; no homozygotes.

Submissions (2):

Labcorp Genetics (formerly Invitae), Labcorp
Classification: Likely benign for Oligodontia-cancer predisposition syndrome. Last evaluated: 2025-11-10. Review status: criteria provided, single submitter. Criteria: Invitae Variant Classification Sherloc (09022015). Collection method: clinical testing. Allele origin: germline.

Myriad Genetics, Inc.
Classification: Likely benign for Oligodontia-cancer predisposition syndrome. Last evaluated: 2024-07-09. Review status: criteria provided, single submitter. Criteria: Myriad Autosomal Dominant, Autosomal Recessive and X-Linked Classification Criteria (2023). Collection method: clinical testing. Allele origin: unknown.
Comment: This variant is considered likely benign. This variant is intronic and is not expected to impact mRNA splicing.